The following is an entry in ClinVar:

ClinVar aggregate classification (germline): Uncertain significance. Review status: criteria provided, multiple submitters, no conflicts (2 of 4 stars). 4 submissions from 4 submitters: Uncertain significance (4). Last evaluated 2026-05-12.

Conditions:
CDH23-related disorder. Also called: CDH23-related condition; CDH23-related disorders.

Allele frequency attached by ClinVar (database versions not stated): TOPMed 0.00004; ExAC 0.00005; gnomAD exomes 0.00005; gnomAD 0.00006; ESP Exome Variant Server 0.00008.
gnomAD v4.1: 78 of 1,612,336 alleles (0.0048%); highest among the groups gnomAD compares: South Asian, 0.0066%; no homozygotes.

Submissions (4):

PreventionGenetics, part of Exact Sciences
Classification: Uncertain significance for CDH23-related condition. Last evaluated: 2026-05-12. Review status: criteria provided, single submitter. Criteria: ACMG Guidelines, 2015. Collection method: clinical testing. Allele origin: germline.
Comment: The CDH23 c.1831G>A variant is predicted to result in the amino acid substitution p.Asp611Asn. To our knowledge, this variant has not been reported in the literature. This variant is reported in 0.010% of alleles in individuals of South Asian descent in gnomAD. At this time, the clinical significance of this variant is uncertain due to the absence of conclusive functional and genetic evidence.

GeneDx
Classification: Uncertain significance. Last evaluated: 2024-10-23. Review status: criteria provided, single submitter. Criteria: GeneDx Variant Classification Process June 2021. Collection method: clinical testing. Allele origin: germline. Affected: yes.
Comment: In silico analysis supports that this missense variant has a deleterious effect on protein structure/function; Has not been previously published as pathogenic or benign to our knowledge

Blueprint Genetics
Classification: Uncertain significance. Last evaluated: 2023-08-17. Review status: criteria provided, single submitter. Criteria: ACMG Guidelines, 2015. Collection method: clinical testing. Allele origin: germline.

Labcorp Genetics (formerly Invitae), Labcorp
Classification: Uncertain significance. Last evaluated: 2022-06-20. Review status: criteria provided, single submitter. Criteria: Invitae Variant Classification Sherloc (09022015). Collection method: clinical testing. Allele origin: germline.
Comment: This sequence change replaces aspartic acid, which is acidic and polar, with asparagine, which is neutral and polar, at codon 611 of the CDH23 protein (p.Asp611Asn). This variant is present in population databases (rs374527066, gnomAD 0.01%). This variant has not been reported in the literature in individuals affected with CDH23-related conditions. Algorithms developed to predict the effect of missense changes on protein structure and function are either unavailable or do not agree on the potential impact of this missense change (SIFT: "Deleterious"; PolyPhen-2: "Not Available"; Align-GVGD: "Class C15"). In summary, the available evidence is currently insufficient to determine the role of this variant in disease. Therefore, it has been classified as a Variant of Uncertain Significance.

NM_022124.6(CDH23):c.1831G>A (p.Asp611Asn)

Gene: CDH23 (cadherin related 23; plus strand). Cytogenetic location: 10q22.1.
Variant type: single nucleotide variant.
Coding change: c.1831G>A on transcript NM_022124.6 (MANE Select); coding-DNA position 1831, G replaced by A.
Protein change: p.Asp611Asn; replaces aspartic acid 611 with asparagine.
Molecular consequence: missense variant.
Genome position (GRCh38, 1-based): chr10:71,679,465, G>A. VCF-style: chr10-71679465-G-A. GRCh37 (hg19) VCF-style: chr10-73439222-G-A.
Other names: c.1831G>A, p.Asp611Asn (NM_001171930.2, NM_001171931.2); c.1831G>A (NM_022124.5); short protein forms D611N.
Identifiers: ClinVar variation 2082016 (VCV002082016.4), dbSNP rs374527066, ClinGen allele CA5543974.
Genomic context (GRCh38, chr10:71,679,465, plus strand): 5'-CCTCCCAACAACCAGATCACCTACAGCATTGTCAGTGCATCTGCCTTTGGCAGCTACTTC[G>A]ACATCAGCCTGTACGAGGGCTATGGAGGTAGGTGTGGGGCAGAACTCGGGGCCCAGCCAG-3'
Protein context (NP_071407.4, residues 601-621): VSASAFGSYF[Asp611Asn]ISLYEGYGVI